The following is an entry in ClinVar:

ClinVar aggregate classification (germline): Uncertain significance (1 of 4 stars; one submission).

Submission:

Labcorp Genetics (formerly Invitae), Labcorp
Classification: Uncertain significance. Last evaluated: 2025-12-22. Review status: criteria provided, single submitter. Criteria: Invitae Variant Classification Sherloc (09022015). Collection method: clinical testing. Allele origin: germline.
Comment: This sequence change replaces glycine, which is neutral and non-polar, with alanine, which is neutral and non-polar, at codon 220 of the ZNF408 protein (p.Gly220Ala). This variant is not present in population databases (gnomAD no frequency). This variant has not been reported in the literature in individuals affected with ZNF408-related conditions. An algorithm developed to predict the effect of missense changes on protein structure and function outputs the following: PolyPhen-2: "Benign". The alanine amino acid residue is found in multiple mammalian species, which suggests that this missense change does not adversely affect protein function. In summary, the available evidence is currently insufficient to determine the role of this variant in disease. Therefore, it has been classified as a Variant of Uncertain Significance.

NM_024741.3(ZNF408):c.659G>C (p.Gly220Ala)

Gene: ZNF408 (zinc finger protein 408; plus strand). Cytogenetic location: 11p11.2.
Variant type: single nucleotide variant.
Coding change: c.659G>C on transcript NM_024741.3 (MANE Select); coding-DNA position 659, G replaced by C.
Protein change: p.Gly220Ala; replaces glycine 220 with alanine.
Molecular consequence: missense variant.
Genome position (GRCh38, 1-based): chr11:46,704,359, G>C. VCF-style: chr11-46704359-G-C. GRCh37 (hg19) VCF-style: chr11-46725909-G-C.
Other names: c.635G>C, p.Gly212Ala (NM_001184751.2); short protein forms G220A, G212A.
Identifiers: ClinVar variation 4772132 (VCV004772132.1).
Genomic context (GRCh38, chr11:46,704,359, plus strand): 5'-AACACCATCTGCATTGAAGCTCCCTAAACCCAGTACCCCATCCTTGCCTTGCAGATCCTG[G>C]TTCCCAGTCACCCTCTGGCATCCAGGCAGAGAATATGGTGAGCCCTGGACTTAAGTTCCC-3'
Protein context (NP_079017.1, residues 210-230): EDAAEPCIDP[Gly220Ala]SQSPSGIQAE